The following is an entry in ClinVar:

NM_014251.3(SLC25A13):c.1231-11T>G

Gene: SLC25A13 (solute carrier family 25 member 13; minus strand). Cytogenetic location: 7q21.3.
Variant type: single nucleotide variant.
Coding change: c.1231-11T>G on transcript NM_014251.3 (MANE Select); 11 bases into the intron before coding-DNA position 1231, T replaced by G.
Molecular consequence: intron variant.
Genome position (GRCh38, 1-based): chr7:96,170,136, A>C on the plus strand (T>G on the coding strand, the complement: SLC25A13 is on the minus strand). VCF-style: chr7-96170136-A-C. GRCh37 (hg19) VCF-style: chr7-95799448-A-C.
Other names: c.1234-11T>G (NM_001160210.2).
Identifiers: ClinVar variation 4763275 (VCV004763275.1).
Genomic context (GRCh38, chr7:96,170,136, plus strand): 5'-GGGACCGAACCATCTTTGTGCATAAATTTATCCCTCACAAAATCGTTCACCTTGAAGAAA[A>C]ATATTTATAGAAGCTGATGAAAAATATAAAGAAAGTCATTAAACACTTATAAATATGCAT-3'

ClinVar aggregate classification (germline): Uncertain significance (1 of 4 stars; one submission).

Conditions:
Citrin deficiency. Identifiers: Orphanet 247582, MedGen C1997910, MONDO:0016602.

gnomAD v4.1: 4 of 1,611,760 alleles (0.00025%); highest among the groups gnomAD compares: Non-Finnish European, 0.00034%; no homozygotes.

Submission:

Labcorp Genetics (formerly Invitae), Labcorp
Classification: Uncertain significance for Citrin deficiency. Last evaluated: 2025-03-05. Review status: criteria provided, single submitter. Criteria: Invitae Variant Classification Sherloc (09022015). Collection method: clinical testing. Allele origin: germline.
Comment: This sequence change falls in intron 12 of the SLC25A13 gene. It does not directly change the encoded amino acid sequence of the SLC25A13 protein. This variant is not present in population databases (gnomAD no frequency). This variant has not been reported in the literature in individuals affected with SLC25A13-related conditions. Algorithms developed to predict the effect of sequence changes on RNA splicing suggest that this variant may create or strengthen a splice site. In summary, the available evidence is currently insufficient to determine the role of this variant in disease. Therefore, it has been classified as a Variant of Uncertain Significance.